The following is an entry in ClinVar:

NM_001379659.1(ZNF142):c.2261G>A (p.Arg754His)

Gene: ZNF142 (zinc finger protein 142; minus strand). Cytogenetic location: 2q35.
Variant type: single nucleotide variant.
Coding change: c.2261G>A on transcript NM_001379659.1 (MANE Select); coding-DNA position 2261, G replaced by A.
Protein change: p.Arg754His; replaces arginine 754 with histidine.
Molecular consequence: missense variant.
Genome position (GRCh38, 1-based): chr2:218,644,855, C>T on the plus strand (G>A on the coding strand, the complement: ZNF142 is on the minus strand). VCF-style: chr2-218644855-C-T. GRCh37 (hg19) VCF-style: chr2-219509578-C-T.
Other names: c.1661G>A, p.Arg554His (NM_001105537.5, NM_001366291.3, NM_001379662.1); c.1172G>A, p.Arg391His (NM_001366287.3, NM_001366288.3, NM_001366289.3); c.2261G>A, p.Arg754His (NM_001366290.3, NM_001379660.1, NM_001379661.1); short protein forms R391H, R554H, R754H.
Identifiers: ClinVar variation 2651892 (VCV002651892.24), dbSNP rs755631212, ClinGen allele CA2109190.

ClinVar aggregate classification (germline): Uncertain significance (1 of 4 stars; one submission).

Allele frequency attached by ClinVar (database versions not stated): ExAC 0.00001; gnomAD 0.00001; gnomAD exomes 0.00001; TOPMed 0.00001.
gnomAD v4.1: 24 of 1,614,182 alleles (0.0015%); highest among the groups gnomAD compares: East Asian, 0.013%; no homozygotes.

Submission:

CeGaT Center for Human Genetics Tuebingen
Classification: Uncertain significance. Last evaluated: 2023-09-01. Review status: criteria provided, single submitter. Criteria: CeGaT Center For Human Genetics Tuebingen Variant Classification Criteria Version 2. Collection method: clinical testing. Allele origin: germline. Affected: yes. Observed: 1 variant allele.
Comment: ZNF142: PM2